The following is an entry in ClinVar:

NM_006514.4(SCN10A):c.3896G>T (p.Gly1299Val)

Gene: SCN10A (sodium voltage-gated channel alpha subunit 10; minus strand). Cytogenetic location: 3p22.2.
Variant type: single nucleotide variant.
Coding change: c.3896G>T on transcript NM_006514.4 (MANE Select); coding-DNA position 3896, G replaced by T.
Protein change: p.Gly1299Val; replaces glycine 1299 with valine.
Molecular consequence: missense variant.
Genome position (GRCh38, 1-based): chr3:38,712,354, C>A on the plus strand (G>T on the coding strand, the complement: SCN10A is on the minus strand). VCF-style: chr3-38712354-C-A. GRCh37 (hg19) VCF-style: chr3-38753845-C-A.
Other names: c.3893G>T, p.Gly1298Val (NM_001293306.2); c.3602G>T, p.Gly1201Val (NM_001293307.2); short protein forms G1201V, G1298V, G1299V.
Identifiers: ClinVar variation 1060286 (VCV001060286.7), dbSNP rs2125989927, ClinGen allele CA352151221.

ClinVar aggregate classification (germline): Uncertain significance. Review status: criteria provided, multiple submitters, no conflicts (2 of 4 stars). 2 submissions from 2 submitters: Uncertain significance (2). Last evaluated 2020-10-20.

Conditions:
Cardiovascular phenotype. Identifiers: MedGen CN230736.
Brugada syndrome. Also called: Sudden unexplained nocturnal death syndrome; Sudden unexpected nocturnal death syndrome; Sudden Unexplained Death Syndrome; Sudden Unexplained Nocturnal Death Syndrome (SUNDS). Identifiers: Orphanet 130, MedGen C1142166, MONDO:0015263.

gnomAD v4.1: 4 of 1,614,152 alleles (0.00025%); highest among the groups gnomAD compares: Non-Finnish European, 0.00034%; no homozygotes.

Submissions (2):

Ambry Genetics
Classification: Uncertain significance for Cardiovascular phenotype. Last evaluated: 2020-10-20. Review status: criteria provided, single submitter. Criteria: Ambry Variant Classification Scheme 2023. Collection method: clinical testing. Allele origin: germline.
Comment: The p.G1299V variant (also known as c.3896G>T), located in coding exon 22 of the SCN10A gene, results from a G to T substitution at nucleotide position 3896. The glycine at codon 1299 is replaced by valine, an amino acid with dissimilar properties. This amino acid position is highly conserved in available vertebrate species. In addition, this alteration is predicted to be deleterious by in silico analysis. Since supporting evidence is limited at this time, the clinical significance of this alteration remains unclear.

Labcorp Genetics (formerly Invitae), Labcorp
Classification: Uncertain significance for Brugada syndrome. Last evaluated: 2020-07-22. Review status: criteria provided, single submitter. Criteria: Invitae Variant Classification Sherloc (09022015). Collection method: clinical testing. Allele origin: germline.
Comment: This variant is not present in population databases (ExAC no frequency). This variant has not been reported in the literature in individuals with SCN10A-related conditions. Advanced modeling of protein sequence and biophysical properties (such as structural, functional, and spatial information, amino acid conservation, physicochemical variation, residue mobility, and thermodynamic stability) performed at Invitae indicates that this missense variant is expected to disrupt SCN10A protein function. In summary, the available evidence is currently insufficient to determine the role of this variant in disease. Therefore, it has been classified as a Variant of Uncertain Significance. This sequence change replaces glycine with valine at codon 1299 of the SCN10A protein (p.Gly1299Val). The glycine residue is highly conserved and there is a moderate physicochemical difference between glycine and valine.